The following is an entry in ClinVar:

ClinVar aggregate classification (germline): Conflicting classifications of pathogenicity. Review status: criteria provided, conflicting classifications (1 of 4 stars). 2 submissions from 2 submitters: Uncertain significance (1); Likely benign (1). Last evaluated 2025-08-04.

gnomAD v4.1: 1,762 of 1,594,118 alleles (0.11%); highest among the groups gnomAD compares: Middle Eastern, 1.7%; 6 homozygotes.

Submissions (2):

Ambry Genetics
Classification: Uncertain significance. Last evaluated: 2025-08-04. Review status: criteria provided, single submitter. Criteria: Ambry Variant Classification Scheme 2023. Collection method: clinical testing. Allele origin: germline.

CeGaT Center for Human Genetics Tuebingen
Classification: Likely benign. Last evaluated: 2025-04-01. Review status: criteria provided, single submitter. Criteria: CeGaT Center For Human Genetics Tuebingen Variant Classification Criteria Version 2. Collection method: clinical testing. Allele origin: germline. Affected: yes. Observed: 1 variant allele.
Comment: EXD3: BP4, BS2

NM_017820.5(EXD3):c.1826G>A (p.Arg609Lys)

Gene: EXD3 (exonuclease 3'-5' domain containing 3; minus strand). Cytogenetic location: 9q34.3.
Variant type: single nucleotide variant.
Coding change: c.1826G>A on transcript NM_017820.5 (MANE Select); coding-DNA position 1826, G replaced by A.
Protein change: p.Arg609Lys; replaces arginine 609 with lysine.
Molecular consequence: missense variant.
Genome position (GRCh38, 1-based): chr9:137,349,114, C>T on the plus strand (G>A on the coding strand, the complement: EXD3 is on the minus strand). VCF-style: chr9-137349114-C-T. GRCh37 (hg19) VCF-style: chr9-140243566-C-T.
Other names: c.1826G>A (NM_017820.3); short protein forms R609K.
Identifiers: ClinVar variation 3898148 (VCV003898148.8).